The following is an entry in ClinVar:

ClinVar aggregate classification (germline): Uncertain significance (1 of 4 stars; one submission).

gnomAD v4.1: 3 of 1,614,152 alleles (0.00019%); highest among the groups gnomAD compares: East Asian, 0.0022%; no homozygotes.

Submission:

Labcorp Genetics (formerly Invitae), Labcorp
Classification: Uncertain significance. Last evaluated: 2025-12-17. Review status: criteria provided, single submitter. Criteria: Invitae Variant Classification Sherloc (09022015). Collection method: clinical testing. Allele origin: germline.
Comment: This sequence change replaces proline, which is neutral and non-polar, with serine, which is neutral and polar, at codon 1041 of the COL17A1 protein (p.Pro1041Ser). This variant is present in population databases (no rsID available, gnomAD 0.006%). This variant has not been reported in the literature in individuals affected with COL17A1-related conditions. Invitae Evidence Modeling of protein sequence and biophysical properties (such as structural, functional, and spatial information, amino acid conservation, physicochemical variation, residue mobility, and thermodynamic stability) has been performed for this missense variant. However, the output from this modeling did not meet the statistical confidence thresholds required to predict the impact of this variant on COL17A1 protein function. In summary, the available evidence is currently insufficient to determine the role of this variant in disease. Therefore, it has been classified as a Variant of Uncertain Significance.

NM_000494.4(COL17A1):c.3121C>T (p.Pro1041Ser)

Gene: COL17A1 (collagen type XVII alpha 1 chain; minus strand). Cytogenetic location: 10q25.1.
Variant type: single nucleotide variant.
Coding change: c.3121C>T on transcript NM_000494.4 (MANE Select); coding-DNA position 3121, C replaced by T.
Protein change: p.Pro1041Ser; replaces proline 1041 with serine.
Molecular consequence: missense variant.
Genome position (GRCh38, 1-based): chr10:104,037,723, G>A on the plus strand (C>T on the coding strand, the complement: COL17A1 is on the minus strand). VCF-style: chr10-104037723-G-A. GRCh37 (hg19) VCF-style: chr10-105797481-G-A.
Other names: short protein forms P1041S.
Identifiers: ClinVar variation 4700108 (VCV004700108.1).